The following is an entry in ClinVar:

ClinVar aggregate classification (germline): Likely benign (1 of 4 stars; one submission).

Submission:

CeGaT Center for Human Genetics Tuebingen
Classification: Likely benign. Last evaluated: 2026-05-01. Review status: criteria provided, single submitter. Criteria: CeGaT Center For Human Genetics Tuebingen Variant Classification Criteria Version 2. Collection method: clinical testing. Allele origin: germline. Affected: yes. Observed: 1 variant allele.
Comment: RNU4-2: BS1

NR_003137.3(RNU4-2):n.112A>T

Genes: RNU4-2 (RNA, U4 small nuclear 2; minus strand), SIRT4 (sirtuin 4; plus strand). Cytogenetic location: 12q24.23.
Variant type: single nucleotide variant.
Molecular consequence: non-coding transcript variant (on NR_003137.3).
Genome position: GRCh38 VCF-style: chr12-120291792-T-A. GRCh37 (hg19) VCF-style: chr12-120729595-T-A.
Identifiers: ClinVar variation 4874271 (VCV004874271.2).